The following is an entry in ClinVar:

NM_020822.3(KCNT1):c.3353G>A (p.Arg1118His)

Gene: KCNT1 (potassium sodium-activated channel subfamily T member 1; plus strand). Cytogenetic location: 9q34.3.
Variant type: single nucleotide variant.
Coding change: c.3353G>A on transcript NM_020822.3 (MANE Select); coding-DNA position 3353, G replaced by A.
Protein change: p.Arg1118His; replaces arginine 1118 with histidine.
Molecular consequence: missense variant.
Genome position (GRCh38, 1-based): chr9:135,786,372, G>A. VCF-style: chr9-135786372-G-A. GRCh37 (hg19) VCF-style: chr9-138678218-G-A.
Other names: c.3218G>A, p.Arg1073His (NM_001272003.2); short protein forms R1073H, R1118H.
Identifiers: ClinVar variation 1213750 (VCV001213750.8), dbSNP rs1055618053, ClinGen allele CA201424204.

ClinVar aggregate classification (germline): Uncertain significance. Review status: criteria provided, multiple submitters, no conflicts (2 of 4 stars). 4 submissions from 3 submitters: Uncertain significance (4). Last evaluated 2023-06-04.

Conditions:
Autosomal dominant nocturnal frontal lobe epilepsy 5. Also called: CILIARY DYSKINESIA, PRIMARY, 28, WITHOUT SITUS INVERSUS; Epilepsy, nocturnal frontal lobe, 5; KCNT1-Related Epilepsy; CILIARY DYSKINESIA, PRIMARY, 28, WITH SITUS INVERSUS. Identifiers: Orphanet 98784, MedGen C3554306, MONDO:0014002, OMIM 615005.
Developmental and epileptic encephalopathy, 14 (DEE14). Also called: Early infantile epileptic encephalopathy 14. Identifiers: Orphanet 293181, MedGen C3554195, MONDO:0013989, OMIM 614959.

Allele frequency attached by ClinVar (database versions not stated): gnomAD 0.00001; gnomAD exomes 0.00001; TOPMed 0.00002.
gnomAD v4.1: 15 of 1,577,598 alleles (0.00095%); highest among the groups gnomAD compares: East Asian, 0.0046%; no homozygotes.

Submissions (4):

Labcorp Genetics (formerly Invitae), Labcorp
Classification: Uncertain significance for Autosomal dominant nocturnal frontal lobe epilepsy 5; Developmental and epileptic encephalopathy, 14. Last evaluated: 2023-06-04. Review status: criteria provided, single submitter. Criteria: Invitae Variant Classification Sherloc (09022015). Collection method: clinical testing. Allele origin: germline.
Comment: This sequence change replaces arginine, which is basic and polar, with histidine, which is basic and polar, at codon 1118 of the KCNT1 protein (p.Arg1118His). This variant is not present in population databases (gnomAD no frequency). This variant has not been reported in the literature in individuals affected with KCNT1-related conditions. ClinVar contains an entry for this variant (Variation ID: 1213750). Advanced modeling of protein sequence and biophysical properties (such as structural, functional, and spatial information, amino acid conservation, physicochemical variation, residue mobility, and thermodynamic stability) performed at Invitae indicates that this missense variant is not expected to disrupt KCNT1 protein function. In summary, the available evidence is currently insufficient to determine the role of this variant in disease. Therefore, it has been classified as a Variant of Uncertain Significance.

Genome-Nilou Lab
Classification: Uncertain significance for Developmental and epileptic encephalopathy, 14. Last evaluated: 2022-03-15. Review status: criteria provided, single submitter. Criteria: ACMG Guidelines, 2015. Collection method: clinical testing. Allele origin: germline. Affected: no.

Genome-Nilou Lab
Classification: Uncertain significance for Autosomal dominant nocturnal frontal lobe epilepsy 5. Last evaluated: 2022-03-15. Review status: criteria provided, single submitter. Criteria: ACMG Guidelines, 2015. Collection method: clinical testing. Allele origin: germline. Affected: no.

New York Genome Center
Classification: Uncertain significance for Developmental and epileptic encephalopathy, 14. Last evaluated: 2020-11-12. Review status: criteria provided, single submitter. Criteria: NYGC Assertion Criteria 2020. Collection method: clinical testing. Allele origin: inherited. Observed: 1 heterozygote. Study: CSER-NYCKidSeq.